The following is an entry in ClinVar:

NM_020320.5(RARS2):c.1036-5C>A

Gene: RARS2 (arginyl-tRNA synthetase 2, mitochondrial; minus strand). Cytogenetic location: 6q15.
Variant type: single nucleotide variant.
Coding change: c.1036-5C>A on transcript NM_020320.5 (MANE Select); 5 bases into the intron before coding-DNA position 1036, C replaced by A.
Molecular consequence: intron variant.
Genome position (GRCh38, 1-based): chr6:87,520,261, G>T on the plus strand (C>A on the coding strand, the complement: RARS2 is on the minus strand). VCF-style: chr6-87520261-G-T. GRCh37 (hg19) VCF-style: chr6-88229979-G-T.
Other names: c.1036-5C>A (NM_001350505.2); c.511-5C>A (NM_001350509.2, NM_001318785.2, NM_001350506.2 and 4 more transcripts).
Identifiers: ClinVar variation 2814790 (VCV002814790.4), dbSNP rs747356214, ClinGen allele CA2578687281.

ClinVar aggregate classification (germline): Uncertain significance. Review status: criteria provided, multiple submitters, no conflicts (2 of 4 stars). 2 submissions from 2 submitters: Uncertain significance (2). Last evaluated 2023-12-05.

Submissions (2):

GeneDx
Classification: Uncertain significance. Last evaluated: 2023-12-05. Review status: criteria provided, single submitter. Criteria: GeneDx Variant Classification Process June 2021. Collection method: clinical testing. Allele origin: germline. Affected: yes.
Comment: Not observed at significant frequency in large population cohorts (gnomAD); Has not been previously published as pathogenic or benign to our knowledge; In silico analysis is inconclusive as to whether the variant alters gene splicing. In the absence of RNA/functional studies, the actual effect of this sequence change is unknown.

Labcorp Genetics (formerly Invitae), Labcorp
Classification: Uncertain significance. Last evaluated: 2022-12-03. Review status: criteria provided, single submitter. Criteria: Invitae Variant Classification Sherloc (09022015). Collection method: clinical testing. Allele origin: germline.
Comment: This sequence change falls in intron 12 of the RARS2 gene. It does not directly change the encoded amino acid sequence of the RARS2 protein. This variant is not present in population databases (gnomAD no frequency). This variant has not been reported in the literature in individuals affected with RARS2-related conditions. Algorithms developed to predict the effect of sequence changes on RNA splicing suggest that this variant may disrupt the consensus splice site. In summary, the available evidence is currently insufficient to determine the role of this variant in disease. Therefore, it has been classified as a Variant of Uncertain Significance.